The following is an entry in ClinVar:

NM_030665.4(RAI1):c.5528T>C (p.Phe1843Ser)

Gene: RAI1 (retinoic acid induced 1; plus strand). Cytogenetic location: 17p11.2.
Variant type: single nucleotide variant.
Coding change: c.5528T>C on transcript NM_030665.4 (MANE Select); coding-DNA position 5528, T replaced by C.
Protein change: p.Phe1843Ser; replaces phenylalanine 1843 with serine.
Molecular consequence: missense variant.
Genome position (GRCh38, 1-based): chr17:17,798,476, T>C. VCF-style: chr17-17798476-T-C. GRCh37 (hg19) VCF-style: chr17-17701790-T-C.
Other names: c.5528T>C (NM_030665.3); short protein forms F1843S.
Identifiers: ClinVar variation 592344 (VCV000592344.17), dbSNP rs145732429, ClinGen allele CA8419181.

ClinVar aggregate classification (germline): Conflicting classifications of pathogenicity. Review status: criteria provided, conflicting classifications (1 of 4 stars). 5 submissions from 5 submitters: Uncertain significance (2); Benign (1); Likely benign (1). 1 of the submissions does not count toward it. Last evaluated 2026-01-19.

Conditions:
Smith-Magenis syndrome (SMS). Also called: CHROMOSOME 17p11.2 DELETION SYNDROME. Identifiers: Orphanet 819, MedGen C0795864, MONDO:0008434, OMIM 182290.
RAI1-related disorder. Also called: RAI1-related condition.
Inborn genetic diseases. Identifiers: MedGen C0950123, MeSH D030342.

Allele frequency attached by ClinVar (database versions not stated): gnomAD 0.00005 and 0.00006; gnomAD exomes 0.00005 and 0.00007; TOPMed 0.00005; ExAC 0.00013; ESP Exome Variant Server 0.00015.
gnomAD v4.1: 78 of 1,604,320 alleles (0.0049%); highest among the groups gnomAD compares: African/African-American, 0.015%; no homozygotes.

Submissions (5):

Labcorp Genetics (formerly Invitae), Labcorp
Classification: Benign. Last evaluated: 2026-01-19. Review status: criteria provided, single submitter. Criteria: Invitae Variant Classification Sherloc (09022015). Collection method: clinical testing. Allele origin: germline.

Ambry Genetics
Classification: Likely benign for Inborn genetic diseases. Last evaluated: 2022-05-11. Review status: criteria provided, single submitter. Criteria: Ambry Variant Classification Scheme 2023. Collection method: clinical testing. Allele origin: germline.

New York Genome Center
Classification: Uncertain significance for Smith-Magenis syndrome. Last evaluated: 2021-05-07. Review status: criteria provided, single submitter. Criteria: NYGC Assertion Criteria 2020. Collection method: clinical testing. Allele origin: germline. Observed: 1 heterozygote. Study: CSER-NYCKidSeq.

Eurofins Ntd Llc (ga)
Classification: Uncertain significance. Last evaluated: 2018-07-05. Review status: criteria provided, single submitter. Criteria: EGL ClinVar v180209 classification definitions. Collection method: clinical testing. Allele origin: germline. Observed: 1 variant allele, 1 heterozygote.

PreventionGenetics, part of Exact Sciences
Classification: Uncertain significance for RAI1-related condition. Last evaluated: 2024-02-02. Review status: no assertion criteria provided. Collection method: clinical testing. Allele origin: germline. Not counted in ClinVar's aggregate classification.
Comment: The RAI1 c.5528T>C variant is predicted to result in the amino acid substitution p.Phe1843Ser. To our knowledge, this variant has not been reported in the literature. This variant is reported in 0.016% of alleles in individuals of African descent in gnomAD. Although we suspect that this variant may be benign, at this time, the clinical significance of this variant is uncertain due to the absence of conclusive functional and genetic evidence.